The following is an entry in ClinVar:

NM_198578.4(LRRK2):c.7074G>T (p.Val2358=)

Gene: LRRK2 (leucine rich repeat kinase 2; plus strand). Cytogenetic location: 12q12.
Variant type: single nucleotide variant.
Coding change: c.7074G>T on transcript NM_198578.4 (MANE Select); coding-DNA position 7074, G replaced by T.
Protein change: p.Val2358=; no amino-acid change (valine 2358 retained).
Molecular consequence: synonymous variant.
Genome position (GRCh38, 1-based): chr12:40,363,447, G>T. VCF-style: chr12-40363447-G-T. GRCh37 (hg19) VCF-style: chr12-40757249-G-T.
Identifiers: ClinVar variation 2642853 (VCV002642853.24), dbSNP rs1565783288, ClinGen allele CA479247281.

ClinVar aggregate classification (germline): Likely benign (1 of 4 stars; one submission).

Submission:

CeGaT Center for Human Genetics Tuebingen
Classification: Likely benign. Last evaluated: 2022-11-01. Review status: criteria provided, single submitter. Criteria: CeGaT Center For Human Genetics Tuebingen Variant Classification Criteria Version 2. Collection method: clinical testing. Allele origin: germline. Affected: yes. Observed: 1 variant allele.
Comment: LRRK2: PM2:Supporting, BP4, BP7